The following is an entry in ClinVar:

NM_001330588.2(TPP2):c.1245-179_1245-6del

Gene: TPP2 (tripeptidyl peptidase 2; plus strand). Cytogenetic location: 13q33.1.
Variant type: Deletion.
Coding change: c.1245-179_1245-6del on transcript NM_001330588.2 (MANE Select); 179 bases into the intron before coding-DNA position 1245 through 6 bases into the intron before coding-DNA position 1245, 174 bases deleted.
Molecular consequence: intron variant.
Genome position (GRCh38, 1-based): chr13:102,633,771-102,633,944, 174 bases deleted. GRCh37 (hg19): chr13:103,286,121-103,286,294.
Other names: c.1245-179_1245-6del (NM_001367947.1, NM_003291.4).
Identifiers: ClinVar variation 2826158 (VCV002826158.3), dbSNP rs2503972595, ClinGen allele CA2739277698.

ClinVar aggregate classification (germline): Uncertain significance (1 of 4 stars; one submission).

Conditions:
Evans syndrome, immunodeficiency, and premature immunosenescence associated with tripeptidyl-peptidase II deficiency. Identifiers: MedGen CN231723. Disease mechanism: loss of function.

Submission:

Labcorp Genetics (formerly Invitae), Labcorp
Classification: Uncertain significance for Evans syndrome, immunodeficiency, and premature immunosenescence associated with tripeptidyl-peptidase II deficiency. Last evaluated: 2023-01-03. Review status: criteria provided, single submitter. Criteria: Invitae Variant Classification Sherloc (09022015). Collection method: clinical testing. Allele origin: germline.
Comment: In summary, the available evidence is currently insufficient to determine the role of this variant in disease. Therefore, it has been classified as a Variant of Uncertain Significance. Algorithms developed to predict the effect of sequence changes on RNA splicing suggest that this variant may disrupt the consensus splice site. This variant has not been reported in the literature in individuals affected with TPP2-related conditions. This variant is not present in population databases (gnomAD no frequency). This sequence change falls in intron 10 of the TPP2 gene. It does not directly change the encoded amino acid sequence of the TPP2 protein.